The following is an entry in ClinVar:

ClinVar aggregate classification (germline): Likely benign. Review status: criteria provided, multiple submitters, no conflicts (2 of 4 stars). 2 submissions from 2 submitters: Likely benign (2). Last evaluated 2025-04-01.

gnomAD v4.1: 969 of 1,614,228 alleles (0.06%); highest among the groups gnomAD compares: Non-Finnish European, 0.062%; 3 homozygotes.

Submissions (2):

CeGaT Center for Human Genetics Tuebingen
Classification: Likely benign. Last evaluated: 2025-04-01. Review status: criteria provided, single submitter. Criteria: CeGaT Center For Human Genetics Tuebingen Variant Classification Criteria Version 2. Collection method: clinical testing. Allele origin: germline. Affected: yes. Observed: 1 variant allele.
Comment: TNRC6A: BP4

Blueprint Genetics
Classification: Likely benign. Last evaluated: 2024-11-26. Review status: criteria provided, single submitter. Criteria: ACMG Guidelines, 2015. Collection method: clinical testing. Allele origin: germline.

NM_014494.4(TNRC6A):c.1843G>A (p.Val615Ile)

Gene: TNRC6A (trinucleotide repeat containing adaptor 6A; plus strand). Cytogenetic location: 16p12.1.
Variant type: single nucleotide variant.
Coding change: c.1843G>A on transcript NM_014494.4 (MANE Select); coding-DNA position 1843, G replaced by A.
Protein change: p.Val615Ile; replaces valine 615 with isoleucine.
Molecular consequence: missense variant.
Genome position (GRCh38, 1-based): chr16:24,790,485, G>A. VCF-style: chr16-24790485-G-A. GRCh37 (hg19) VCF-style: chr16-24801806-G-A.
Other names: c.1843G>A, p.Val615Ile (NM_001330520.3); c.1870G>A, p.Val624Ile (NM_001351850.2); short protein forms V615I, V624I.
Identifiers: ClinVar variation 3898172 (VCV003898172.8).